The following is an entry in ClinVar:

ClinVar aggregate classification (germline): Uncertain significance (1 of 4 stars; one submission).

Conditions:
Gastrointestinal stromal tumor. Also called: Gastrointestinal stroma tumor; Gastrointestinal stromal tumor, somatic. Identifiers: Orphanet 44890, MedGen C0238198, MeSH D046152, MONDO:0011719, OMIM 606764, HP:0100723.

Allele frequency attached by ClinVar (database versions not stated): gnomAD exomes below 0.00001.
gnomAD v4.1: 1 of 1,607,980 alleles (0.000062%); highest among the groups gnomAD compares: Non-Finnish European, 0.000085%; no homozygotes.

Submission:

Labcorp Genetics (formerly Invitae), Labcorp
Classification: Uncertain significance for Gastrointestinal stromal tumor. Last evaluated: 2021-12-17. Review status: criteria provided, single submitter. Criteria: Invitae Variant Classification Sherloc (09022015). Collection method: clinical testing. Allele origin: germline.
Comment: This sequence change replaces histidine, which is basic and polar, with asparagine, which is neutral and polar, at codon 920 of the PDGFRA protein (p.His920Asn). This variant is not present in population databases (gnomAD no frequency). In summary, the available evidence is currently insufficient to determine the role of this variant in disease. Therefore, it has been classified as a Variant of Uncertain Significance. Algorithms developed to predict the effect of missense changes on protein structure and function are either unavailable or do not agree on the potential impact of this missense change (SIFT: "Tolerated"; PolyPhen-2: "Probably Damaging"; Align-GVGD: "Class C0"). This variant has not been reported in the literature in individuals affected with PDGFRA-related conditions.

NM_006206.6(PDGFRA):c.2758C>A (p.His920Asn)

Gene: PDGFRA (platelet derived growth factor receptor alpha; plus strand). Cytogenetic location: 4q12.
Variant type: single nucleotide variant.
Coding change: c.2758C>A on transcript NM_006206.6 (MANE Select); coding-DNA position 2758, C replaced by A.
Protein change: p.His920Asn; replaces histidine 920 with asparagine.
Molecular consequence: missense variant.
Genome position (GRCh38, 1-based): chr4:54,288,882, C>A. VCF-style: chr4-54288882-C-A. GRCh37 (hg19) VCF-style: chr4-55155049-C-A.
Other names: c.2833C>A, p.His945Asn (NM_001347828.2); c.2758C>A, p.His920Asn (NM_001347829.2); c.2797C>A, p.His933Asn (NM_001347830.2); short protein forms H920N, H933N, H945N.
Identifiers: ClinVar variation 2045725 (VCV002045725.4), dbSNP rs2110345001, ClinGen allele CA356895592.
Genomic context (GRCh38, chr4:54,288,882, plus strand): 5'-ATGGTGGATTCTACTTTCTACAATAAGATCAAGAGTGGGTACCGGATGGCCAAGCCTGAC[C>A]ACGCTACCAGTGAAGTGTGAGCTCCTTCCCCATCCCGGGGGCCTGTGTTCACAGTCTGTG-3'
Protein context (NP_006197.1, residues 910-930): KSGYRMAKPD[His920Asn]ATSEVYEIMV